The following is an entry in ClinVar:

NM_000202.8(IDS):c.877_878del (p.Gln293fs)

Genes: IDS (iduronate 2-sulfatase; minus strand), LOC106050102 (IDS recombination region; plus strand). Cytogenetic location: Xq28.
Variant type: Deletion.
Coding change: c.877_878del on transcript NM_000202.8 (MANE Select); coding-DNA positions 877 to 878, 2 bases deleted (CA; older notation c.877_878delCA).
Protein change: p.Gln293fs; shifts the reading frame from glutamine 293.
Molecular consequence: frameshift variant. On other transcripts: non-coding transcript variant (1).
Genome position (GRCh38, 1-based): chrX:149,496,347-149,496,348, TG deleted on the plus strand (CA on the coding strand, the reverse complement: IDS is on the minus strand). VCF-style (leftmost placement, unchanged base first): chrX-149496346-CTG-C. GRCh37 (hg19) VCF-style: chrX-148577877-CTG-C.
Other names: c.607_608del, p.Gln203fs (NM_001166550.4); c.877_878del, p.Gln293fs (NM_006123.5); short protein forms Q203fs, Q293fs.
Identifiers: ClinVar variation 3255865 (VCV003255865.2).

ClinVar aggregate classification (germline): Pathogenic (1 of 4 stars; one submission).

Conditions:
Mucopolysaccharidosis, MPS-II (MPS2). Also called: Hunter Syndrome; IDURONATE 2-SULFATASE DEFICIENCY; Mucopolysaccharidosis Type II; Mucopolysaccharidosis type 2; Attenuated MPS (subtype; formerly known as mild MPS II); Severe MPS II. Identifiers: Orphanet 580, Orphanet 79388, MedGen C0026705, MONDO:0010674, OMIM 309900.

Submission:

Laboratory of Diagnosis and Therapy of Lysosomal Disorders, University of Padova
Classification: Pathogenic for Mucopolysaccharidosis, MPS-II. Last evaluated: 2024-06-07. Review status: criteria provided, single submitter. Criteria: ACMG Guidelines, 2015. Collection method: literature only. Allele origin: germline. Affected: yes. Observed: 1 variant allele.
Comment: Null variant (PVS1_VeryStrong), Absent from controls (or at low frequency) in gnomAD database (PM2_Moderate), Patient’s phenotype or family history highly specific for the disease (PP4_Moderate)

Classification method: ACMG Guidelines [PMID:25741868] with modifications

Literature cited by the submitters: PubMed 12655569; PubMed 21291454.